The following is an entry in ClinVar:

NM_000059.4(BRCA2):c.419G>C (p.Ser140Thr)

Gene: BRCA2 (BRCA2 DNA repair associated; plus strand). Cytogenetic location: 13q13.1.
Variant type: single nucleotide variant.
Coding change: c.419G>C on transcript NM_000059.4 (MANE Select); coding-DNA position 419, G replaced by C.
Protein change: p.Ser140Thr; replaces serine 140 with threonine.
Molecular consequence: missense variant. On other transcripts: non-coding transcript variant (1).
Genome position (GRCh38, 1-based): chr13:32,325,178, G>C. VCF-style: chr13-32325178-G-C. GRCh37 (hg19) VCF-style: chr13-32899315-G-C.
Other names: c.419G>C, p.Ser140Thr (NM_001406719.1, NM_001406720.1, NM_001406721.1 and 1 more transcripts); c.50G>C, p.Ser17Thr (NM_001406722.1); short protein forms S140T, S17T.
Identifiers: ClinVar variation 3482090 (VCV003482090.1).

ClinVar aggregate classification (germline): Uncertain significance (1 of 4 stars; one submission).

Conditions:
Hereditary cancer-predisposing syndrome. Also called: Tumor predisposition; Neoplastic Syndromes, Hereditary; Hereditary Cancer Syndrome; Hereditary neoplastic syndrome. Identifiers: Orphanet 140162, MedGen C0027672, MeSH D009386, MONDO:0015356.

Submission:

Ambry Genetics
Classification: Uncertain significance for Hereditary cancer-predisposing syndrome. Last evaluated: 2024-09-15. Review status: criteria provided, single submitter. Criteria: Ambry Variant Classification Scheme 2023. Collection method: clinical testing. Allele origin: germline.
Comment: The p.S140T variant (also known as c.419G>C), located in coding exon 3 of the BRCA2 gene, results from a G to C substitution at nucleotide position 419. The serine at codon 140 is replaced by threonine, an amino acid with similar properties. This amino acid position is conserved. In addition, this alteration is predicted to be tolerated by in silico analysis. Based on the available evidence, the clinical significance of this variant remains unclear.